The following is an entry in ClinVar:

ClinVar aggregate classification (germline): Uncertain significance (1 of 4 stars; one submission).

Conditions:
RASopathy. Also called: rasopathies; Noonan spectrum disorder. Identifiers: Orphanet 536391, MedGen C5555857, MONDO:0021060.

gnomAD v4.1: 3 of 1,605,734 alleles (0.00019%); highest among the groups gnomAD compares: Non-Finnish European, 0.00025%; no homozygotes.

Submission:

Labcorp Genetics (formerly Invitae), Labcorp
Classification: Uncertain significance for RASopathy. Last evaluated: 2024-08-22. Review status: criteria provided, single submitter. Criteria: Invitae Variant Classification Sherloc (09022015). Collection method: clinical testing. Allele origin: germline.
Comment: This sequence change replaces aspartic acid, which is acidic and polar, with histidine, which is basic and polar, at codon 285 of the MAP2K2 protein (p.Asp285His). This variant is not present in population databases (gnomAD no frequency). This variant has not been reported in the literature in individuals affected with MAP2K2-related conditions. Invitae Evidence Modeling of protein sequence and biophysical properties (such as structural, functional, and spatial information, amino acid conservation, physicochemical variation, residue mobility, and thermodynamic stability) indicates that this missense variant is not expected to disrupt MAP2K2 protein function with a negative predictive value of 95%. In summary, the available evidence is currently insufficient to determine the role of this variant in disease. Therefore, it has been classified as a Variant of Uncertain Significance.

NM_030662.4(MAP2K2):c.853G>C (p.Asp285His)

Gene: MAP2K2 (mitogen-activated protein kinase kinase 2; minus strand). Cytogenetic location: 19p13.3.
Variant type: single nucleotide variant.
Coding change: c.853G>C on transcript NM_030662.4 (MANE Select); coding-DNA position 853, G replaced by C.
Protein change: p.Asp285His; replaces aspartic acid 285 with histidine.
Molecular consequence: missense variant.
Genome position (GRCh38, 1-based): chr19:4,099,267, C>G on the plus strand (G>C on the coding strand, the complement: MAP2K2 is on the minus strand). VCF-style: chr19-4099267-C-G. GRCh37 (hg19) VCF-style: chr19-4099265-C-G.
Other names: short protein forms D285H.
Identifiers: ClinVar variation 3697178 (VCV003697178.2).